The following is an entry in ClinVar:

NM_014956.5(CEP164):c.4248C>T (p.Asn1416=)

Gene: CEP164 (centrosomal protein 164; plus strand). Cytogenetic location: 11q23.3.
Variant type: single nucleotide variant.
Coding change: c.4248C>T on transcript NM_014956.5 (MANE Select); coding-DNA position 4248, C replaced by T.
Protein change: p.Asn1416=; no amino-acid change (asparagine 1416 retained).
Molecular consequence: synonymous variant.
Genome position (GRCh38, 1-based): chr11:117,411,879, C>T. VCF-style: chr11-117411879-C-T. GRCh37 (hg19) VCF-style: chr11-117282595-C-T.
Other names: c.4233C>T, p.Asn1411= (NM_001271933.2); c.4248C>T (NM_014956.4).
Identifiers: ClinVar variation 1549665 (VCV001549665.9), dbSNP rs1367798627, ClinGen allele CA476899697.
Genomic context (GRCh38, chr11:117,411,879, plus strand): 5'-CTCCCATTCGCAAGTCCCTGAGGCGGGCAGCACCACCTTTCAGGGCATAATTGAGGCCAA[C>T]CGGAGGTGGCTGGAACGTGTCAAGAATGACCCCAGGTTGTATCCTTTTACCTGGTTCCCA-3'
Protein context (NP_055771.4, residues 1406-1426): STTFQGIIEA[Asn1416=]RRWLERVKND

ClinVar aggregate classification (germline): Likely benign. Review status: criteria provided, multiple submitters, no conflicts (2 of 4 stars). 2 submissions from 2 submitters: Likely benign (2). Last evaluated 2025-06-30.

Conditions:
Nephronophthisis 15 (NPHP15). Identifiers: Orphanet 3156, MedGen C3541853, MONDO:0013917, OMIM 614845.
CEP164-related disorder. Also called: CEP164-related condition.

Allele frequency attached by ClinVar (database versions not stated): gnomAD exomes below 0.00001; gnomAD 0.00001; TOPMed 0.00001.

Submissions (2):

PreventionGenetics, part of Exact Sciences
Classification: Likely benign for CEP164-related condition. Last evaluated: 2025-06-30. Review status: criteria provided, single submitter. Criteria: ACMG Guidelines, 2015. Collection method: clinical testing. Allele origin: germline.
Comment: This variant is classified as likely benign based on ACMG/AMP sequence variant interpretation guidelines (Richards et al. 2015 PMID: 25741868, with internal and published modifications).

Labcorp Genetics (formerly Invitae), Labcorp
Classification: Likely benign for Nephronophthisis 15. Last evaluated: 2021-04-10. Review status: criteria provided, single submitter. Criteria: Invitae Variant Classification Sherloc (09022015). Collection method: clinical testing. Allele origin: germline.